The following is an entry in ClinVar:

NM_001386795.1(DTNA):c.149-265A>C

Gene: DTNA (dystrobrevin alpha; plus strand). Cytogenetic location: 18q12.1.
Variant type: single nucleotide variant.
Coding change: c.149-265A>C on transcript NM_001386795.1 (MANE Select); 265 bases into the intron before coding-DNA position 149, A replaced by C.
Molecular consequence: intron variant.
Genome position (GRCh38, 1-based): chr18:34,793,772, A>C. VCF-style: chr18-34793772-A-C. GRCh37 (hg19) VCF-style: chr18-32373736-A-C.
Other names: c.149-265A>C (NM_032975.4, NM_001386761.1, NM_001386762.1 and 35 more transcripts).
Identifiers: ClinVar variation 683479 (VCV000683479.1), dbSNP rs1383290, ClinGen allele CA15932057.

ClinVar aggregate classification (germline): Benign (1 of 4 stars; one submission).

Allele frequency attached by ClinVar (database versions not stated): gnomAD 0.45586 and 0.47055; TOPMed 0.46715; 1000 Genomes Project 30x 0.53092; 1000 Genomes Project 0.54034.
gnomAD v4.1: 71,709 of 151,998 alleles (47%); highest among the groups gnomAD compares: East Asian, 87%; 19,838 homozygotes.

Submission:

GeneDx
Classification: Benign. Last evaluated: 2018-06-18. Review status: criteria provided, single submitter. Criteria: GeneDx Variant Classification (06012015). Collection method: clinical testing. Allele origin: germline. Affected: yes.
Comment: This variant is considered likely benign or benign based on one or more of the following criteria: it is a conservative change, it occurs at a poorly conserved position in the protein, it is predicted to be benign by multiple in silico algorithms, and/or has population frequency not consistent with disease.